The following is an entry in ClinVar:

NM_013450.4(BAZ2B):c.5924G>T (p.Cys1975Phe)

Gene: BAZ2B (bromodomain adjacent to zinc finger domain 2B; minus strand). Cytogenetic location: 2q24.2.
Variant type: single nucleotide variant.
Coding change: c.5924G>T on transcript NM_013450.4 (MANE Select); coding-DNA position 5924, G replaced by T.
Protein change: p.Cys1975Phe; replaces cysteine 1975 with phenylalanine.
Molecular consequence: missense variant.
Genome position (GRCh38, 1-based): chr2:159,332,559, C>A on the plus strand (G>T on the coding strand, the complement: BAZ2B is on the minus strand). VCF-style: chr2-159332559-C-A. GRCh37 (hg19) VCF-style: chr2-160189070-C-A.
Other names: c.5816G>T, p.Cys1939Phe (NM_001289975.1); c.5867G>T, p.Cys1956Phe (NM_001329857.2); c.5849G>T, p.Cys1950Phe (NM_001329858.2); short protein forms C1939F, C1950F, C1956F, C1975F.
Identifiers: ClinVar variation 4540340 (VCV004540340.1).

ClinVar aggregate classification (germline): Uncertain significance (1 of 4 stars; one submission).

Submission:

GeneDx
Classification: Uncertain significance. Last evaluated: 2025-06-25. Review status: criteria provided, single submitter. Criteria: GeneDx Variant Classification Process June 2021. Collection method: clinical testing. Allele origin: germline. Affected: yes.
Comment: Not observed at significant frequency in large population cohorts (gnomAD); In silico analysis supports that this missense variant has a deleterious effect on protein structure/function; Has not been previously published as pathogenic or benign to our knowledge